The following is an entry in ClinVar:

NM_000142.5(FGFR3):c.589G>A (p.Gly197Ser)

Gene: FGFR3 (fibroblast growth factor receptor 3; plus strand). Cytogenetic location: 4p16.3.
Variant type: single nucleotide variant.
Coding change: c.589G>A on transcript NM_000142.5 (MANE Select); coding-DNA position 589, G replaced by A.
Protein change: p.Gly197Ser; replaces glycine 197 with serine.
Molecular consequence: missense variant. On other transcripts: non-coding transcript variant (1).
Genome position (GRCh38, 1-based): chr4:1,801,510, G>A. VCF-style: chr4-1801510-G-A. GRCh37 (hg19) VCF-style: chr4-1803237-G-A.
Other names: c.589G>A, p.Gly197Ser (NM_001163213.2, NM_001354809.2, NM_001354810.2 and 1 more transcripts); short protein forms G197S.
Identifiers: ClinVar variation 3009569 (VCV003009569.3), dbSNP rs754122254, ClinGen allele CA2809871.

ClinVar aggregate classification (germline): Uncertain significance (1 of 4 stars; one submission).

Allele frequency attached by ClinVar (database versions not stated): gnomAD 0.00001; gnomAD exomes 0.00002; ExAC 0.00005.
gnomAD v4.1: 30 of 1,564,076 alleles (0.0019%); highest among the groups gnomAD compares: East Asian, 0.017%; no homozygotes.

Submission:

Labcorp Genetics (formerly Invitae), Labcorp
Classification: Uncertain significance. Last evaluated: 2024-01-19. Review status: criteria provided, single submitter. Criteria: Invitae Variant Classification Sherloc (09022015). Collection method: clinical testing. Allele origin: germline.
Comment: This sequence change replaces glycine, which is neutral and non-polar, with serine, which is neutral and polar, at codon 197 of the FGFR3 protein (p.Gly197Ser). The frequency data for this variant in the population databases is considered unreliable, as metrics indicate poor data quality at this position in the gnomAD database. This variant has not been reported in the literature in individuals affected with FGFR3-related conditions. Advanced modeling of protein sequence and biophysical properties (such as structural, functional, and spatial information, amino acid conservation, physicochemical variation, residue mobility, and thermodynamic stability) performed at Invitae indicates that this missense variant is not expected to disrupt FGFR3 protein function with a negative predictive value of 95%. In summary, the available evidence is currently insufficient to determine the role of this variant in disease. Therefore, it has been classified as a Variant of Uncertain Significance.